The following is an entry in ClinVar:

ClinVar aggregate classification (germline): Likely pathogenic (1 of 4 stars; one submission).

Conditions:
Hereditary cancer-predisposing syndrome. Also called: Tumor predisposition; Hereditary neoplastic syndrome; Neoplastic Syndromes, Hereditary; Hereditary Cancer Syndrome. Identifiers: Orphanet 140162, MedGen C0027672, MeSH D009386, MONDO:0015356.

Submission:

Ambry Genetics
Classification: Likely pathogenic for Hereditary cancer-predisposing syndrome. Last evaluated: 2026-04-24. Review status: criteria provided, single submitter. Criteria: Ambry Variant Classification Scheme 2023. Collection method: clinical testing. Allele origin: germline.
Comment: The c.7435+2T>C intronic variant results from a T to C substitution two nucleotides after coding exon 13 in the BRCA2 gene. This variant is considered to be rare based on population cohorts in the Genome Aggregation Database (gnomAD). This nucleotide position is highly conserved in available vertebrate species. In silico splice site analysis predicts that this alteration will weaken the native splice donor site and may result in the creation or strengthening of a novel splice donor site; however, direct evidence is insufficient at this time (Ambry internal data). Variants that disrupt the canonical splice site are expected to cause aberrant splicing, resulting in an abnormal protein or a transcript that is subject to nonsense-mediated mRNA decay. As such, this variant is classified as likely pathogenic.

NM_000059.4(BRCA2):c.7435+2T>C

Gene: BRCA2 (BRCA2 DNA repair associated; plus strand). Cytogenetic location: 13q13.1.
Variant type: single nucleotide variant.
Coding change: c.7435+2T>C on transcript NM_000059.4 (MANE Select); the canonical splice donor site of the intron after coding-DNA position 7435, T replaced by C.
Molecular consequence: splice donor variant.
Genome position (GRCh38, 1-based): chr13:32,355,290, T>C. VCF-style: chr13-32355290-T-C. GRCh37 (hg19) VCF-style: chr13-32929427-T-C.
Other names: c.7435+2T>C (NM_001406720.1); c.7339+2T>C (NM_001406719.1); c.2503+2T>C (NM_001406721.1); c.1018+2T>C (NM_001406722.1).
Identifiers: ClinVar variation 481599 (VCV000481599.6), dbSNP rs1434072252, ClinGen allele CA387742153.